The following is an entry in ClinVar:

NM_005560.6(LAMA5):c.8479C>A (p.Gln2827Lys)

Gene: LAMA5 (laminin subunit alpha 5; minus strand). Cytogenetic location: 20q13.33.
Variant type: single nucleotide variant.
Coding change: c.8479C>A on transcript NM_005560.6 (MANE Select); coding-DNA position 8479, C replaced by A.
Protein change: p.Gln2827Lys; replaces glutamine 2827 with lysine.
Molecular consequence: missense variant.
Genome position (GRCh38, 1-based): chr20:62,314,329, G>T on the plus strand (C>A on the coding strand, the complement: LAMA5 is on the minus strand). VCF-style: chr20-62314329-G-T. GRCh37 (hg19) VCF-style: chr20-60889385-G-T.
Other names: p.Gln2827Lys; short protein forms Q2827K.
Identifiers: ClinVar variation 1616453 (VCV001616453.10), dbSNP rs117480847, ClinGen allele CA9940705.

ClinVar aggregate classification (germline): Benign. Review status: criteria provided, multiple submitters, no conflicts (2 of 4 stars). 3 submissions from 3 submitters: Benign (3). Last evaluated 2026-01-25.

Allele frequency attached by ClinVar (database versions not stated): 1000 Genomes Project 30x 0.01124; gnomAD 0.01199; 1000 Genomes Project 0.01218; TOPMed 0.01331; ESP Exome Variant Server 0.01500; gnomAD exomes 0.01699; ExAC 0.01736.
gnomAD v4.1: 28,625 of 1,613,206 alleles (1.8%); highest among the groups gnomAD compares: South Asian, 4.9%; 403 homozygotes.

Submissions (3):

Labcorp Genetics (formerly Invitae), Labcorp
Classification: Benign. Last evaluated: 2026-01-25. Review status: criteria provided, single submitter. Criteria: Invitae Variant Classification Sherloc (09022015). Collection method: clinical testing. Allele origin: germline.

Mayo Clinic Laboratories, Mayo Clinic
Classification: Benign. Last evaluated: 2025-07-11. Review status: criteria provided, single submitter. Criteria: ACMG Guidelines, 2015. Collection method: clinical testing. Allele origin: germline. Observed: 2 variant alleles.
Comment: BS1, BS2, BP4

Breakthrough Genomics
Classification: Benign. Review status: criteria provided, single submitter. Criteria: ACMG Guidelines, 2015. Collection method: not provided. Allele origin: germline. Inheritance: Autosomal recessive inheritance. Affected: yes.